The following is an entry in ClinVar:

NM_000059.4(BRCA2):c.9613G>A (p.Ala3205Thr)

Gene: BRCA2 (BRCA2 DNA repair associated; plus strand). Cytogenetic location: 13q13.1.
Variant type: single nucleotide variant.
Coding change: c.9613G>A on transcript NM_000059.4 (MANE Select); coding-DNA position 9613, G replaced by A.
Protein change: p.Ala3205Thr; replaces alanine 3205 with threonine.
Molecular consequence: missense variant.
Genome position (GRCh38, 1-based): chr13:32,397,009, G>A. VCF-style: chr13-32397009-G-A. GRCh37 (hg19) VCF-style: chr13-32971146-G-A.
Other names: short protein forms A3205T.
Identifiers: ClinVar variation 2698212 (VCV002698212.4), dbSNP rs528504546, ClinGen allele CA026235.
Genomic context (GRCh38, chr13:32,397,009, plus strand): 5'-CATGCAAATGATCCCAAGTGGTCCACCCCAACTAAAGACTGTACTTCAGGGCCGTACACT[G>A]CTCAAATCATTCCTGGTACAGGAAACAAGCTTCTGGTAAGTTAATGTAAACTCAAGGAAT-3'
Protein context (NP_000050.3, residues 3195-3215): TKDCTSGPYT[Ala3205Thr]QIIPGTGNKL

ClinVar aggregate classification (germline): Uncertain significance. Review status: criteria provided, multiple submitters, no conflicts (2 of 4 stars). 2 submissions from 2 submitters: Uncertain significance (2). Last evaluated 2024-03-24.

Conditions:
Hereditary breast ovarian cancer syndrome. Also called: BRCA1- and BRCA2-Associated Hereditary Breast and Ovarian Cancer; Hereditary breast and ovarian cancer; Hereditary breast and ovarian cancer syndrome (HBOC); Hereditary breast and ovarian cancer syndrome; Hereditary breast and/or ovarian cancer syndrome; Breast and ovarian cancer. Identifiers: Orphanet 145, MedGen C0677776, MeSH D061325, MONDO:0003582. Disease mechanism: loss of function.
BRCA2-related cancer predisposition. Identifiers: MedGen CN377758, MONDO:0700269.

gnomAD v4.1: 1 of 1,614,018 alleles (0.000062%); highest among the groups gnomAD compares: Non-Finnish European, 0.000085%; no homozygotes.

Submissions (2):

All of Us Research Program, National Institutes of Health
Classification: Uncertain significance for BRCA2-related cancer predisposition. Last evaluated: 2024-03-24. Review status: criteria provided, single submitter. Criteria: ACMG Guidelines, 2015. Collection method: clinical testing. Allele origin: germline. Inheritance: Autosomal dominant inheritance. Observed: 1 variant allele, 1 heterozygote.
Comment: This missense variant replaces alanine with threonine at codon 3205 of the BRCA2 protein. Computational prediction suggests that this variant may not impact protein structure and function. To our knowledge, functional studies have not been reported for this variant. This variant has been reported in an individual with a personal or family history of breast and/or ovarian cancer (PMID: 21120943). This variant has not been identified in the general population by the Genome Aggregation Database (gnomAD). The available evidence is insufficient to determine the role of this variant in disease conclusively. Therefore, this variant is classified as a Variant of Uncertain Significance.

This study involves interpretation of variants in research participants for the purpose of population health screening. Participant phenotype was not available at the time of variant classification. Additional details can be found in publication PMID: 35346344, PMCID: PMC8962531

Labcorp Genetics (formerly Invitae), Labcorp
Classification: Uncertain significance for Hereditary breast ovarian cancer syndrome. Last evaluated: 2023-11-24. Review status: criteria provided, single submitter. Criteria: Invitae Variant Classification Sherloc (09022015). Collection method: clinical testing. Allele origin: germline.
Comment: This sequence change replaces alanine, which is neutral and non-polar, with threonine, which is neutral and polar, at codon 3205 of the BRCA2 protein (p.Ala3205Thr). This variant is not present in population databases (gnomAD no frequency). This missense change has been observed in individual(s) with a personal and/or family history of breast and/or ovarian cancer (PMID: 21120943). Advanced modeling of protein sequence and biophysical properties (such as structural, functional, and spatial information, amino acid conservation, physicochemical variation, residue mobility, and thermodynamic stability) performed at Invitae indicates that this missense variant is not expected to disrupt BRCA2 protein function with a negative predictive value of 95%. In summary, the available evidence is currently insufficient to determine the role of this variant in disease. Therefore, it has been classified as a Variant of Uncertain Significance.

Literature cited by the submitters: PubMed 21120943 (cited by All of Us Research Program, National Institutes of Health and Labcorp Genetics (formerly Invitae), Labcorp).